The following is an entry in ClinVar:

ClinVar aggregate classification (germline): Uncertain significance (1 of 4 stars; one submission).

gnomAD v4.1: 3 of 1,613,934 alleles (0.00019%); highest among the groups gnomAD compares: Non-Finnish European, 0.00025%; no homozygotes.

Submission:

Ambry Genetics
Classification: Uncertain significance. Last evaluated: 2025-09-07. Review status: criteria provided, single submitter. Criteria: Ambry Variant Classification Scheme 2023. Collection method: clinical testing. Allele origin: germline.
Comment: The p.Q127E variant (also known as c.379C>G), located in coding exon 1 of the CDK12 gene, results from a C to G substitution at nucleotide position 379. The glutamine at codon 127 is replaced by glutamic acid, an amino acid with highly similar properties. This amino acid position is conserved. In addition, this alteration is predicted to be tolerated by in silico analysis. Based on the available evidence, the clinical significance of this variant remains unclear.

NM_016507.4(CDK12):c.379C>G (p.Gln127Glu)

Genes: CDK12 (cyclin dependent kinase 12; plus strand), LOC126862553 (CDK7 strongly-dependent group 2 enhancer GRCh37_chr17:37618166-37619365; plus strand). Cytogenetic location: 17q12.
Variant type: single nucleotide variant.
Coding change: c.379C>G on transcript NM_016507.4 (MANE Select); coding-DNA position 379, C replaced by G.
Protein change: p.Gln127Glu; replaces glutamine 127 with glutamic acid.
Molecular consequence: missense variant.
Genome position (GRCh38, 1-based): chr17:39,462,450, C>G. VCF-style: chr17-39462450-C-G. GRCh37 (hg19) VCF-style: chr17-37618703-C-G.
Other names: c.379C>G, p.Gln127Glu (NM_015083.4); short protein forms Q127E.
Identifiers: ClinVar variation 4224450 (VCV004224450.1).